The following is an entry in ClinVar:

ClinVar aggregate classification (germline): Uncertain significance (1 of 4 stars; one submission).

Conditions:
Chuvash polycythemia. Also called: POLYCYTHEMIA, VHL-DEPENDENT. Identifiers: Orphanet 238557, MedGen C1837915, MONDO:0009892, OMIM 263400.
Von Hippel-Lindau syndrome (VHLS). Also called: von Hippel–Lindau syndrome; Von Hippel-Lindau; VHL syndrome. Identifiers: Orphanet 892, MedGen C0019562, MONDO:0008667, OMIM 193300. Disease mechanism: loss of function.

Submission:

Labcorp Genetics (formerly Invitae), Labcorp
Classification: Uncertain significance for Von Hippel-Lindau syndrome; Chuvash polycythemia. Last evaluated: 2024-11-30. Review status: criteria provided, single submitter. Criteria: Invitae Variant Classification Sherloc (09022015). Collection method: clinical testing. Allele origin: germline.
Comment: This sequence change falls in intron 1 of the VHL gene. It is not expected to change the encoded amino acid sequence of the VHL protein. However, this sequence change falls within a cryptic exon in the VHL gene, known as exon E1‚Äö√Ñ√¥, which is naturally expressed at low levels in several human tissues (PMID: 29891534). This variant is not present in population databases (gnomAD no frequency). This variant has not been reported in the literature in individuals affected with VHL-related conditions. ClinVar contains an entry for this variant (Variation ID: 2109754). Algorithms developed to predict the effect of sequence changes on RNA splicing suggest that this variant is not likely to affect RNA splicing. In summary, the available evidence is currently insufficient to determine the role of this variant in disease. Therefore, it has been classified as a Variant of Uncertain Significance.

Literature cited by the submitters: PubMed 29891534.

NM_000551.4(VHL):c.340+690C>T

Genes: VHL (von Hippel-Lindau tumor suppressor; plus strand), LOC107303340 (3p25 von Hippel-Lindau tumor suppressor, E3 ubiquitin protein ligase Alu-mediated recombination region; plus strand). Cytogenetic location: 3p25.3.
Variant type: single nucleotide variant.
Coding change: c.340+690C>T on transcript NM_000551.4 (MANE Select); 690 bases into the intron after coding-DNA position 340, C replaced by T.
Molecular consequence: intron variant. On other transcripts: missense variant (1).
Genome position (GRCh38, 1-based): chr3:10,142,877, C>T. VCF-style: chr3-10142877-C-T. GRCh37 (hg19) VCF-style: chr3-10184561-C-T.
Other names: c.455C>T, p.Ala152Val (NM_001354723.2); c.340+690C>T (NM_198156.3); short protein forms A152V.
Identifiers: ClinVar variation 2109754 (VCV002109754.3), dbSNP rs2470160056, ClinGen allele CA2580068436.
Genomic context (GRCh38, chr3:10,142,877, plus strand): 5'-CATTCCTCCTGGGGAGACTGACAGATGCAAAGACAGGAACAAGCCAGGGTCATGTTGGCG[C>T]CGGAAGAGCCGACCGTGTGTGGCGTGGGAAATTGACTTACCTGCCTGCTGGGAGATGGAG-3'